The following is an entry in ClinVar:

ClinVar aggregate classification (germline): Benign/Likely benign. Review status: criteria provided, multiple submitters, no conflicts (2 of 4 stars). 2 submissions from 2 submitters: Benign (1); Likely benign (1). Last evaluated 2024-02-22.

Conditions:
Familial adenomatous polyposis 1 (FAP1). Also called: POLYPOSIS, ADENOMATOUS INTESTINAL; FAMILIAL ADENOMATOUS POLYPOSIS 1, ATTENUATED. Identifiers: MedGen C2713442, MONDO:0021056, OMIM 175100. Disease mechanism: loss of function.

gnomAD v4.1: 1 of 1,613,848 alleles (0.000062%); highest among the groups gnomAD compares: Non-Finnish European, 0.000085%; no homozygotes.

Submissions (2):

Myriad Genetics, Inc.
Classification: Benign for Familial adenomatous polyposis 1. Last evaluated: 2024-02-22. Review status: criteria provided, single submitter. Criteria: Myriad Autosomal Dominant, Autosomal Recessive and X-Linked Classification Criteria (2023). Collection method: clinical testing. Allele origin: unknown.
Comment: This variant is considered benign. This variant is a silent/synonymous amino acid change and it is not expected to impact splicing.

Labcorp Genetics (formerly Invitae), Labcorp
Classification: Likely benign for Familial adenomatous polyposis 1. Last evaluated: 2019-07-05. Review status: criteria provided, single submitter. Criteria: Invitae Variant Classification Sherloc (09022015). Collection method: clinical testing. Allele origin: germline.

NM_000038.6(APC):c.48G>A (p.Leu16=)

Gene: APC (APC regulator of Wnt signaling pathway; plus strand). Cytogenetic location: 5q22.2.
Variant type: single nucleotide variant.
Coding change: c.48G>A on transcript NM_000038.6 (MANE Select); coding-DNA position 48, G replaced by A.
Protein change: p.Leu16=; no amino-acid change (leucine 16 retained).
Molecular consequence: synonymous variant. On other transcripts: 5 prime UTR variant (1), intron variant (8).
Genome position (GRCh38, 1-based): chr5:112,754,938, G>A. VCF-style: chr5-112754938-G-A. GRCh37 (hg19) VCF-style: chr5-112090635-G-A.
Other names: c.48G>A, p.Leu16= (NM_001127510.3, NM_001354895.2, NM_001354896.2 and 2 more transcripts); c.-988G>A (NM_001354906.2); c.166-11388G>A (NM_001354897.2, NM_001354902.2, NM_001127511.3); c.61-11388G>A (NM_001354898.2, NM_001354904.2); c.-42-11388G>A (NM_001354900.2, NM_001354901.2, NM_001354905.2).
Identifiers: ClinVar variation 1158538 (VCV001158538.11), dbSNP rs2149737793, ClinGen allele CA445752390.